The following is an entry in ClinVar:

NM_130837.3(OPA1):c.557G>A (p.Gly186Asp)

Gene: OPA1 (OPA1 mitochondrial dynamin like GTPase; plus strand). Cytogenetic location: 3q29.
Variant type: single nucleotide variant.
Coding change: c.557G>A on transcript NM_130837.3 (MANE Select); coding-DNA position 557, G replaced by A.
Protein change: p.Gly186Asp; replaces glycine 186 with aspartic acid.
Molecular consequence: missense variant. On other transcripts: intron variant (6).
Genome position (GRCh38, 1-based): chr3:193,617,784, G>A. VCF-style: chr3-193617784-G-A. GRCh37 (hg19) VCF-style: chr3-193335573-G-A.
Other names: c.449G>A, p.Gly150Asp (NM_130832.3, NM_130835.3); c.557G>A, p.Gly186Asp (NM_130834.3); c.184+499G>A (NM_001354664.2); c.77-1085G>A (NM_001354663.2); c.556+499G>A (NM_130836.3, NM_015560.3); c.449-1085G>A (NM_130833.3, NM_130831.3); short protein forms G150D, G186D.
Identifiers: ClinVar variation 1587103 (VCV001587103.9), dbSNP rs748799408, ClinGen allele CA2759060.

ClinVar aggregate classification (germline): Uncertain significance. Review status: criteria provided, multiple submitters, no conflicts (2 of 4 stars). 2 submissions from 2 submitters: Uncertain significance (2). Last evaluated 2025-02-21.

Allele frequency attached by ClinVar (database versions not stated): gnomAD exomes below 0.00001; ExAC 0.00001; gnomAD 0.00003 and 0.00004.
gnomAD v4.1: 7 of 1,609,874 alleles (0.00043%); highest among the groups gnomAD compares: African/African-American, 0.008%; no homozygotes.

Submissions (2):

GeneDx
Classification: Uncertain significance. Last evaluated: 2025-02-21. Review status: criteria provided, single submitter. Criteria: GeneDx Variant Classification Process June 2021. Collection method: clinical testing. Allele origin: germline. Affected: yes.
Comment: Has not been previously published as pathogenic or benign to our knowledge; In silico analysis indicates that this missense variant does not alter protein structure/function

Labcorp Genetics (formerly Invitae), Labcorp
Classification: Uncertain significance. Last evaluated: 2023-05-23. Review status: criteria provided, single submitter. Criteria: Invitae Variant Classification Sherloc (09022015). Collection method: clinical testing. Allele origin: germline.
Comment: The OPA1 gene has multiple clinically relevant transcripts. This variant occurs in alternate transcript NM_130837.2, and corresponds to NM_015560.2:c.556+499G>A in the primary transcript. This sequence change replaces glycine, which is neutral and non-polar, with aspartic acid, which is acidic and polar, at codon 186 of the OPA1 protein (p.Gly186Asp). This variant is present in population databases (rs748799408, gnomAD 0.01%). This variant has not been reported in the literature in individuals affected with OPA1-related conditions. ClinVar contains an entry for this variant (Variation ID: 1587103). Experimental studies and prediction algorithms are not available or were not evaluated, and the functional significance of this variant is currently unknown. Algorithms developed to predict the effect of sequence changes on RNA splicing suggest that this variant is not likely to affect RNA splicing. In summary, the available evidence is currently insufficient to determine the role of this variant in disease. Therefore, it has been classified as a Variant of Uncertain Significance.